The following is an entry in ClinVar:

NM_001130438.3(SPTAN1):c.5649T>C (p.Asn1883=)

Gene: SPTAN1 (spectrin alpha, non-erythrocytic 1; plus strand). Cytogenetic location: 9q34.11.
Variant type: single nucleotide variant.
Coding change: c.5649T>C on transcript NM_001130438.3 (MANE Select); coding-DNA position 5649, T replaced by C.
Protein change: p.Asn1883=; no amino-acid change (asparagine 1883 retained).
Molecular consequence: synonymous variant.
Genome position (GRCh38, 1-based): chr9:128,618,919, T>C. VCF-style: chr9-128618919-T-C. GRCh37 (hg19) VCF-style: chr9-131381198-T-C.
Other names: c.5574T>C, p.Asn1858= (NM_001195532.2); c.5649T>C, p.Asn1883= (NM_001363759.2); c.5589T>C, p.Asn1863= (NM_001363765.2); c.5634T>C, p.Asn1878= (NM_003127.4).
Identifiers: ClinVar variation 385376 (VCV000385376.9), dbSNP rs1057522205, ClinGen allele CA16605365.

ClinVar aggregate classification (germline): Likely benign. Review status: criteria provided, multiple submitters, no conflicts (2 of 4 stars). 2 submissions from 2 submitters: Likely benign (2). Last evaluated 2024-09-24.

Conditions:
Early-infantile DEE. Also called: Ohtahara syndrome; Early infantile epileptic encephalopathy with suppression bursts; Early infantile epileptic encephalopathy. Identifiers: Orphanet 1934, MedGen C0393706, MONDO:0800491.

Allele frequency attached by ClinVar (database versions not stated): gnomAD exomes below 0.00001.

Submissions (2):

Labcorp Genetics (formerly Invitae), Labcorp
Classification: Likely benign for Early-infantile DEE. Last evaluated: 2024-09-24. Review status: criteria provided, single submitter. Criteria: Invitae Variant Classification Sherloc (09022015). Collection method: clinical testing. Allele origin: germline.

GeneDx
Classification: Likely benign. Last evaluated: 2016-04-12. Review status: criteria provided, single submitter. Criteria: GeneDx Variant Classification (06012015). Collection method: clinical testing. Allele origin: germline. Affected: yes.
Comment: This variant is considered likely benign or benign based on one or more of the following criteria: it is a conservative change, it occurs at a poorly conserved position in the protein, it is predicted to be benign by multiple in silico algorithms, and/or has population frequency not consistent with disease.